The following is an entry in ClinVar:

ClinVar aggregate classification (germline): Benign/Likely benign. Review status: criteria provided, multiple submitters, no conflicts (2 of 4 stars). 4 submissions from 4 submitters: Benign (1); Likely benign (2). 1 of the submissions does not count toward it. Last evaluated 2025-02-07.

Conditions:
Birt-Hogg-Dube syndrome 1 (BHD1). Also called: FIBROFOLLICULOMAS WITH TRICHODISCOMAS AND ACROCHORDONS. Identifiers: Orphanet 122, MedGen CN375946, MONDO:0800445, OMIM 135150.
FLCN-related disorder. Also called: FLCN-related condition.
Hereditary cancer-predisposing syndrome. Also called: Tumor predisposition; Neoplastic Syndromes, Hereditary; Hereditary Cancer Syndrome; Hereditary neoplastic syndrome. Identifiers: Orphanet 140162, MedGen C0027672, MeSH D009386, MONDO:0015356.
Birt-Hogg-Dube syndrome. Also called: Birt Hogg Dubé syndrome. Identifiers: Orphanet 122, MedGen C0346010, MONDO:0800444.

Allele frequency attached by ClinVar (database versions not stated): TOPMed 0.00001.

Submissions (4):

Labcorp Genetics (formerly Invitae), Labcorp
Classification: Likely benign for Birt-Hogg-Dube syndrome. Last evaluated: 2025-02-07. Review status: criteria provided, single submitter. Criteria: Invitae Variant Classification Sherloc (09022015). Collection method: clinical testing. Allele origin: germline.

Myriad Genetics, Inc.
Classification: Benign for Birt-Hogg-Dube syndrome 1. Last evaluated: 2024-10-28. Review status: criteria provided, single submitter. Criteria: Myriad Autosomal Dominant, Autosomal Recessive and X-Linked Classification Criteria (2023). Collection method: clinical testing. Allele origin: unknown.
Comment: This variant is considered benign. This variant is a silent/synonymous amino acid change and it is not expected to impact splicing.

Ambry Genetics
Classification: Likely benign for Hereditary cancer-predisposing syndrome. Last evaluated: 2017-02-28. Review status: criteria provided, single submitter. Criteria: Ambry Variant Classification Scheme 2023. Collection method: clinical testing. Allele origin: germline.

PreventionGenetics, part of Exact Sciences
Classification: Likely benign for FLCN-related condition. Last evaluated: 2023-03-03. Review status: no assertion criteria provided. Collection method: clinical testing. Allele origin: germline. Not counted in ClinVar's aggregate classification.
Comment: This variant is classified as likely benign based on ACMG/AMP sequence variant interpretation guidelines (Richards et al. 2015 PMID: 25741868, with internal and published modifications).

NM_144997.7(FLCN):c.1647G>T (p.Leu549=)

Gene: FLCN (folliculin; minus strand). Cytogenetic location: 17p11.2.
Variant type: single nucleotide variant.
Coding change: c.1647G>T on transcript NM_144997.7 (MANE Select); coding-DNA position 1647, G replaced by T.
Protein change: p.Leu549=; no amino-acid change (leucine 549 retained).
Molecular consequence: synonymous variant.
Genome position (GRCh38, 1-based): chr17:17,213,748, C>A on the plus strand (G>T on the coding strand, the complement: FLCN is on the minus strand). VCF-style: chr17-17213748-C-A. GRCh37 (hg19) VCF-style: chr17-17117062-C-A.
Other names: c.1701G>T, p.Leu567= (NM_001353229.2); c.1647G>T, p.Leu549= (NM_001353230.2, NM_001353231.2); c.1647G>T (LRG_325t1).
Identifiers: ClinVar variation 485623 (VCV000485623.13), dbSNP rs978355107, ClinGen allele CA288303611.